The following is an entry in ClinVar:

ClinVar aggregate classification (germline): Pathogenic/Likely pathogenic. Review status: criteria provided, multiple submitters, no conflicts (2 of 4 stars). 2 submissions from 2 submitters: Pathogenic (1); Likely pathogenic (1). Last evaluated 2025-07-16.

Conditions:
Hereditary cancer-predisposing syndrome. Also called: Neoplastic Syndromes, Hereditary; Tumor predisposition; Hereditary Cancer Syndrome; Hereditary neoplastic syndrome. Identifiers: Orphanet 140162, MedGen C0027672, MeSH D009386, MONDO:0015356.

Submissions (2):

Ambry Genetics
Classification: Likely pathogenic for Hereditary cancer-predisposing syndrome. Last evaluated: 2025-07-16. Review status: criteria provided, single submitter. Criteria: Ambry Variant Classification Scheme 2023. Collection method: clinical testing. Allele origin: germline.
Comment: The c.8488-9T>G intronic variant results from a T to G substitution 9 nucleotides upstream from coding exon 19 in the BRCA2 gene. This variant was identified in a cohort of ethnic Chinese individuals with indications for genetic testing for hereditary breast and ovarian cancer (Bhaskaran SP et al. Int J Cancer. 2019 Aug;145(4):962-973). A saturation genome editing-based study using a haploid cell-survival assay demonstrates that this nucleotide substitution is non-functional (Huang H et al. Nature. 2025 Feb;638(8050):528-537). This nucleotide position is well conserved in available vertebrate species. In silico splice site analysis predicts that this alteration will weaken the native splice acceptor site and will result in the creation or strengthening of a novel splice acceptor site. RNA studies have demonstrated that this alteration results in abnormal splicing in the set of samples tested (Baert A et al. Hum Mutat, 2018 Apr;39:515-526; Ambry internal data). This variant is considered to be rare based on population cohorts in the Genome Aggregation Database (gnomAD). Based on the majority of available evidence to date, this variant is likely to be pathogenic.

Color Diagnostics, LLC DBA Color Health
Classification: Pathogenic for Hereditary cancer-predisposing syndrome. Last evaluated: 2021-10-04. Review status: criteria provided, single submitter. Criteria: ACMG Guidelines, 2015. Collection method: clinical testing. Allele origin: germline.
Comment: This variant causes a T to G nucleotide substitution at the -9 position of intron 19 of the BRCA2 gene. This variant creates a cryptic splice acceptor site in intron 19. RNA analysis on carrier RNA has detected the use of the cryptic splice acceptor site, that resulted in the out-of-frame insertion of 8 nucleotides between exons 18 and 19 (PMID: 29280214). This variant is expected to produce an absent or nonfunctional protein product. To our knowledge, functional studies have not been reported for this variant. This variant has been detected in two individuals affected with breast cancer (PMID: 29487695; Color internal data). This variant has not been identified in the general population by the Genome Aggregation Database (gnomAD). Loss of BRCA2 function is a known mechanism of disease. Based on the available evidence, this variant is classified as Pathogenic.

Literature cited by the submitters: PubMed 29280214 (cited by Ambry Genetics and Color Diagnostics, LLC DBA Color Health); PubMed 30702160 (cited by Ambry Genetics); PubMed 39779857 (cited by Ambry Genetics); PubMed 29487695 (cited by Color Diagnostics, LLC DBA Color Health).

NM_000059.4(BRCA2):c.8488-9T>G

Gene: BRCA2 (BRCA2 DNA repair associated; plus strand). Cytogenetic location: 13q13.1.
Variant type: single nucleotide variant.
Coding change: c.8488-9T>G on transcript NM_000059.4 (MANE Select); 9 bases into the intron before coding-DNA position 8488, T replaced by G.
Molecular consequence: intron variant.
Genome position (GRCh38, 1-based): chr13:32,370,947, T>G. VCF-style: chr13-32370947-T-G. GRCh37 (hg19) VCF-style: chr13-32945084-T-G.
Other names: c.8488-9T>G (NM_000059.3, NM_001406720.1); c.8392-9T>G (NM_001406719.1); c.3556-9T>G (NM_001406721.1); c.2071-9T>G (NM_001406722.1).
Identifiers: ClinVar variation 2774955 (VCV002774955.5), dbSNP rs2137599630, ClinGen allele CA2695217936.
Genomic context (GRCh38, chr13:32,370,947, plus strand): 5'-CTGGCCTGATACAATTAACTTGAATGTTATATATGTGACTTTTTTGGTGTGTGTAACACA[T>G]TATTACAGTGGATGGAGAAGACATCATCTGGATTATACATATTTCGCAATGAAAGAGAGG-3'